The following is an entry in ClinVar:

NM_004714.3(DYRK1B):c.807+10G>A

Gene: DYRK1B (dual specificity tyrosine phosphorylation regulated kinase 1B; minus strand). Cytogenetic location: 19q13.2.
Variant type: single nucleotide variant.
Coding change: c.807+10G>A on transcript NM_004714.3 (MANE Select); 10 bases into the intron after coding-DNA position 807, G replaced by A.
Molecular consequence: intron variant.
Genome position (GRCh38, 1-based): chr19:39,828,287, C>T on the plus strand (G>A on the coding strand, the complement: DYRK1B is on the minus strand). VCF-style: chr19-39828287-C-T. GRCh37 (hg19) VCF-style: chr19-40318927-C-T.
Other names: c.807+10G>A (NM_006483.3, NM_006484.3).
Identifiers: ClinVar variation 3058042 (VCV003058042.2), dbSNP rs992170060, ClinGen allele CA308298613.

ClinVar aggregate classification (germline): Likely benign (0 of 4 stars; one submission).

Conditions:
DYRK1B-related disorder. Also called: DYRK1B-related condition.

Allele frequency attached by ClinVar (database versions not stated): gnomAD 0.00002; gnomAD exomes 0.00002; TOPMed 0.00002.

Submission:

PreventionGenetics, part of Exact Sciences
Classification: Likely benign for DYRK1B-related condition. Last evaluated: 2022-11-29. Review status: no assertion criteria provided. Collection method: clinical testing. Allele origin: germline.
Comment: This variant is classified as likely benign based on ACMG/AMP sequence variant interpretation guidelines (Richards et al. 2015 PMID: 25741868, with internal and published modifications).